The following is an entry in ClinVar:

ClinVar aggregate classification (germline): Uncertain significance (1 of 4 stars; one submission).

Allele frequency attached by ClinVar (database versions not stated): gnomAD 0.00001; gnomAD exomes 0.00001; TOPMed 0.00001; ExAC 0.00004; 1000 Genomes Project 30x 0.00016; 1000 Genomes Project 0.00020.
gnomAD v4.1: 10 of 1,602,538 alleles (0.00062%); highest among the groups gnomAD compares: East Asian, 0.0068%; no homozygotes.

Submission:

Labcorp Genetics (formerly Invitae), Labcorp
Classification: Uncertain significance. Last evaluated: 2024-06-22. Review status: criteria provided, single submitter. Criteria: Invitae Variant Classification Sherloc (09022015). Collection method: clinical testing. Allele origin: germline.
Comment: This sequence change falls in intron 16 of the DCHS1 gene. It does not directly change the encoded amino acid sequence of the DCHS1 protein. It affects a nucleotide within the consensus splice site. This variant is present in population databases (rs201910859, gnomAD 0.002%). This variant has not been reported in the literature in individuals affected with DCHS1-related conditions. ClinVar contains an entry for this variant (Variation ID: 1923052). Variants that disrupt the consensus splice site are a relatively common cause of aberrant splicing (PMID: 17576681, 9536098). Algorithms developed to predict the effect of sequence changes on RNA splicing suggest that this variant is not likely to affect RNA splicing. In summary, the available evidence is currently insufficient to determine the role of this variant in disease. Therefore, it has been classified as a Variant of Uncertain Significance.

Literature cited by the submitters: PubMed 17576681; PubMed 9536098.

NM_003737.4(DCHS1):c.6576+5G>A

Gene: DCHS1 (dachsous cadherin-related 1; minus strand). Cytogenetic location: 11p15.4.
Variant type: single nucleotide variant.
Coding change: c.6576+5G>A on transcript NM_003737.4 (MANE Select); 5 bases into the intron after coding-DNA position 6576, G replaced by A.
Molecular consequence: intron variant.
Genome position (GRCh38, 1-based): chr11:6,626,164, C>T on the plus strand (G>A on the coding strand, the complement: DCHS1 is on the minus strand). VCF-style: chr11-6626164-C-T. GRCh37 (hg19) VCF-style: chr11-6647395-C-T.
Identifiers: ClinVar variation 1923052 (VCV001923052.5), dbSNP rs201910859, ClinGen allele CA5859834.
Genomic context (GRCh38, chr11:6,626,164, plus strand): 5'-GTCTGGCCACAGACAAGTCTGACTAGCCCTGCTCCCCCGCCCAATCTTTCCATCACACCC[C>T]GCACCTGCAGCAGGGGCCCCTCCAAGGGCCGGGACTCAGGAAGGAAGGCCACATAATGGG-3'